The following is an entry in ClinVar:

NM_000387.6(SLC25A20):c.206C>T (p.Thr69Met)

Gene: SLC25A20 (solute carrier family 25 member 20; minus strand). Cytogenetic location: 3p21.31.
Variant type: single nucleotide variant.
Coding change: c.206C>T on transcript NM_000387.6 (MANE Select); coding-DNA position 206, C replaced by T.
Protein change: p.Thr69Met; replaces threonine 69 with methionine.
Molecular consequence: missense variant.
Genome position (GRCh38, 1-based): chr3:48,884,117, G>A on the plus strand (C>T on the coding strand, the complement: SLC25A20 is on the minus strand). VCF-style: chr3-48884117-G-A. GRCh37 (hg19) VCF-style: chr3-48921550-G-A.
Other names: short protein forms T69M.
Identifiers: ClinVar variation 1704496 (VCV001704496.4), dbSNP rs138433512, ClinGen allele CA2387458.

ClinVar aggregate classification (germline): Uncertain significance. Review status: criteria provided, multiple submitters, no conflicts (2 of 4 stars). 3 submissions from 3 submitters: Uncertain significance (3). Last evaluated 2024-11-12.

Conditions:
Inborn genetic diseases. Identifiers: MedGen C0950123, MeSH D030342.
Carnitine acylcarnitine translocase deficiency (CACTD). Identifiers: Orphanet 159, MedGen C0342791, MONDO:0008918, OMIM 212138.

Allele frequency attached by ClinVar (database versions not stated): gnomAD exomes 0.00003; TOPMed 0.00003; ExAC 0.00006; gnomAD 0.00007; ESP Exome Variant Server 0.00008.
gnomAD v4.1: 51 of 1,613,262 alleles (0.0032%); highest among the groups gnomAD compares: East Asian, 0.0045%; no homozygotes.

Submissions (3):

Ambry Genetics
Classification: Uncertain significance for Inborn genetic diseases. Last evaluated: 2024-11-12. Review status: criteria provided, single submitter. Criteria: Ambry Variant Classification Scheme 2023. Collection method: clinical testing. Allele origin: germline.

Women's Health and Genetics/Laboratory Corporation of America, LabCorp
Classification: Uncertain significance. Last evaluated: 2022-07-12. Review status: criteria provided, single submitter. Criteria: LabCorp Variant Classification Summary - May 2015. Collection method: clinical testing. Allele origin: germline.
Comment: Variant summary: SLC25A20 c.206C>T (p.Thr69Met) results in a non-conservative amino acid change in the encoded protein sequence. Four of five in-silico tools predict a benign effect of the variant on protein function. The variant allele was found at a frequency of 7.2e-05 in 249458 control chromosomes (gnomAD). This frequency is not higher than expected for a pathogenic variant in SLC25A20 causing Carnitine-Acylcarnitine Translocase Deficiency (7.2e-05 vs 0.0011), allowing no conclusion about variant significance. To our knowledge, no occurrence of c.206C>T in individuals affected with Carnitine-Acylcarnitine Translocase Deficiency and no experimental evidence demonstrating its impact on protein function have been reported. No clinical diagnostic laboratories have submitted clinical-significance assessments for this variant to ClinVar after 2014. Based on the evidence outlined above, the variant was classified as uncertain significance.

Labcorp Genetics (formerly Invitae), Labcorp
Classification: Uncertain significance for Carnitine acylcarnitine translocase deficiency. Last evaluated: 2022-07-11. Review status: criteria provided, single submitter. Criteria: Invitae Variant Classification Sherloc (09022015). Collection method: clinical testing. Allele origin: germline.
Comment: This sequence change replaces threonine, which is neutral and polar, with methionine, which is neutral and non-polar, at codon 69 of the SLC25A20 protein (p.Thr69Met). This variant is present in population databases (rs138433512, gnomAD 0.03%). This variant has not been reported in the literature in individuals affected with SLC25A20-related conditions. Algorithms developed to predict the effect of missense changes on protein structure and function output the following: SIFT: "Tolerated"; PolyPhen-2: "Benign"; Align-GVGD: "Class C0". The methionine amino acid residue is found in multiple mammalian species, which suggests that this missense change does not adversely affect protein function. In summary, the available evidence is currently insufficient to determine the role of this variant in disease. Therefore, it has been classified as a Variant of Uncertain Significance.